The following is an entry in ClinVar:

ClinVar aggregate classification (germline): Uncertain significance (1 of 4 stars; one submission).

Conditions:
Inborn genetic diseases. Identifiers: MedGen C0950123, MeSH D030342.

Allele frequency attached by ClinVar (database versions not stated): gnomAD exomes below 0.00001.
gnomAD v4.1: 1 of 1,614,092 alleles (0.000062%); highest among the groups gnomAD compares: Non-Finnish European, 0.000085%; no homozygotes.

Submission:

Ambry Genetics
Classification: Uncertain significance for Inborn genetic diseases. Last evaluated: 2021-07-02. Review status: criteria provided, single submitter. Criteria: Ambry Variant Classification Scheme 2023. Collection method: clinical testing. Allele origin: germline.
Comment: The p.T255A variant (also known as c.763A>G), located in coding exon 6 of the EPAS1 gene, results from an A to G substitution at nucleotide position 763. The threonine at codon 255 is replaced by alanine, an amino acid with similar properties. This amino acid position is conserved. In addition, the in silico prediction for this alteration is inconclusive. Since supporting evidence is limited at this time, the clinical significance of this alteration remains unclear.

NM_001430.5(EPAS1):c.763A>G (p.Thr255Ala)

Genes: EPAS1 (endothelial PAS domain protein 1; plus strand), LOC126806210 (BRD4-independent group 4 enhancer GRCh37_chr2:46587586-46588785; plus strand). Cytogenetic location: 2p21.
Variant type: single nucleotide variant.
Coding change: c.763A>G on transcript NM_001430.5 (MANE Select); coding-DNA position 763, A replaced by G.
Protein change: p.Thr255Ala; replaces threonine 255 with alanine.
Molecular consequence: missense variant.
Genome position (GRCh38, 1-based): chr2:46,361,074, A>G. VCF-style: chr2-46361074-A-G. GRCh37 (hg19) VCF-style: chr2-46588213-A-G.
Other names: short protein forms T255A.
Identifiers: ClinVar variation 1759922 (VCV001759922.2), dbSNP rs2103637356, ClinGen allele CA346700413.